The following is an entry in ClinVar:

NM_000481.4(AMT):c.664C>T (p.Arg222Cys)

Gene: AMT (aminomethyltransferase; minus strand). Cytogenetic location: 3p21.31.
Variant type: single nucleotide variant.
Coding change: c.664C>T on transcript NM_000481.4 (MANE Select); coding-DNA position 664, C replaced by T.
Protein change: p.Arg222Cys; replaces arginine 222 with cysteine.
Molecular consequence: missense variant. On other transcripts: non-coding transcript variant (1).
Genome position (GRCh38, 1-based): chr3:49,419,292, G>A on the plus strand (C>T on the coding strand, the complement: AMT is on the minus strand). VCF-style: chr3-49419292-G-A. GRCh37 (hg19) VCF-style: chr3-49456725-G-A.
Other names: c.532C>T, p.Arg178Cys (NM_001164710.2); c.496C>T, p.Arg166Cys (NM_001164711.2); c.664C>T, p.Arg222Cys (NM_001164712.2); short protein forms R222C, R166C, R178C.
Identifiers: ClinVar variation 552860 (VCV000552860.19), dbSNP rs781466698, ClinGen allele CA2398285.

ClinVar aggregate classification (germline): Pathogenic. Review status: criteria provided, multiple submitters, no conflicts (2 of 4 stars). 6 submissions from 6 submitters: Pathogenic (5). 1 of the submissions does not count toward it. Last evaluated 2025-12-02.

Conditions:
Glycine encephalopathy 1 (GCE1). Identifiers: MedGen CN376801, MONDO:0958179, OMIM 605899.
AMT-related disorder. Also called: AMT-related condition.
Glycine encephalopathy. Also called: Nonketotic hyperglycinemia; Non-ketotic hyperglycinemia. Identifiers: Orphanet 407, MedGen C0751748, MONDO:0011612, HP:0008288.
Glycine encephalopathy 2 (GCE2). Identifiers: MedGen C5830559, MONDO:0958192, OMIM 620398.

Allele frequency attached by ClinVar (database versions not stated): gnomAD exomes 0.00001 and 0.00003; TOPMed 0.00001; ExAC 0.00002.

Submissions (6):

Natera, Inc.
Classification: Pathogenic for Non-ketotic hyperglycinemia. Last evaluated: 2025-12-02. Review status: criteria provided, single submitter. Criteria: Natera Variant Classification Schema (03/2026). Collection method: clinical testing. Allele origin: germline.
Comment: The c.664C>T variant in AMT is a missense variant predicted to cause substitution of arginine to cysteine at amino acid 222. This variant is rare in the general population with a frequency below the threshold expected for the associated phenotype(s). This variant has been observed in one or more individuals affected with the associated recessive disease, as either homozygous or compound heterozygous with a second variant (PMID: 34568804, 36964972, 26179960, 27362913). Computational prediction algorithms indicate this variant is likely to affect gene or protein function. Given the available evidence, this variant is classified as Pathogenic.

Blueprint Genetics
Classification: Pathogenic for AMT-related disorders. Last evaluated: 2024-11-06. Review status: criteria provided, single submitter. Criteria: ACMG Guidelines, 2015. Collection method: clinical testing. Allele origin: germline. Affected: yes. Observed: 2 variant alleles.

Fulgent Genetics
Classification: Pathogenic for Glycine encephalopathy 2. Last evaluated: 2024-05-23. Review status: criteria provided, single submitter. Criteria: ACMG Guidelines, 2015. Collection method: clinical testing. Allele origin: germline.

Labcorp Genetics (formerly Invitae), Labcorp
Classification: Pathogenic for Glycine encephalopathy. Last evaluated: 2024-01-23. Review status: criteria provided, single submitter. Criteria: Invitae Variant Classification Sherloc (09022015). Collection method: clinical testing. Allele origin: germline.
Comment: This sequence change replaces arginine, which is basic and polar, with cysteine, which is neutral and slightly polar, at codon 222 of the AMT protein (p.Arg222Cys). This variant is present in population databases (rs781466698, gnomAD 0.004%). This missense change has been observed in individual(s) with glycine encephalopathy (PMID: 25231368, 26179960, 27362913). ClinVar contains an entry for this variant (Variation ID: 552860). Advanced modeling of protein sequence and biophysical properties (such as structural, functional, and spatial information, amino acid conservation, physicochemical variation, residue mobility, and thermodynamic stability) performed at Invitae indicates that this missense variant is expected to disrupt AMT protein function with a positive predictive value of 95%. For these reasons, this variant has been classified as Pathogenic.

Women's Health and Genetics/Laboratory Corporation of America, LabCorp
Classification: Pathogenic for Glycine encephalopathy. Last evaluated: 2022-04-05. Review status: criteria provided, single submitter. Criteria: LabCorp Variant Classification Summary - May 2015. Collection method: clinical testing. Allele origin: germline.
Comment: Variant summary: AMT c.664C>T (p.Arg222Cys) results in a non-conservative amino acid change located in the Aminomethyltransferase, folate-binding domain (IPR006222) of the encoded protein sequence. Five of five in-silico tools predict a damaging effect of the variant on protein function. The variant allele was found at a frequency of 1.2e-05 in 251108 control chromosomes (gnomAD). c.664C>T has been reported in the literature in multiple compound heterozygous and homozygous individuals affected with Glycine Encephalopathy (Non-Ketotic Hyperglycinemia, Azize_2014, Swanson_2015, Coughlin_2016). These data indicate that the variant is very likely to be associated with disease. To our knowledge, no experimental evidence demonstrating an impact on protein function has been reported. Three ClinVar submitters have assessed this variant since 2014: one classified the variant as likely pathogenic and two as pathogenic. Based on the evidence outlined above, the variant was classified as pathogenic.

Counsyl
Classification: Likely pathogenic for Glycine encephalopathy 1. Last evaluated: 2017-07-12. Review status: no assertion criteria provided. Collection method: clinical testing. Allele origin: unknown. Not counted in ClinVar's aggregate classification.

Literature cited by the submitters: PubMed 34568804 (cited by Natera, Inc.); PubMed 36964972 (cited by Natera, Inc.); PubMed 26179960 (cited by 4 submitters); PubMed 27362913 (cited by 4 submitters); PubMed 25231368 (cited by 3 submitters).